The following is an entry in ClinVar:

ClinVar aggregate classification (germline): Pathogenic (1 of 4 stars; one submission).

Allele frequency attached by ClinVar (database versions not stated): TOPMed below 0.00001; gnomAD 0.00001.
gnomAD v4.1: 55 of 1,613,814 alleles (0.0034%); highest among the groups gnomAD compares: Non-Finnish European, 0.0044%; no homozygotes.

Submission:

Labcorp Genetics (formerly Invitae), Labcorp
Classification: Pathogenic. Last evaluated: 2022-07-03. Review status: criteria provided, single submitter. Criteria: Invitae Variant Classification Sherloc (09022015). Collection method: clinical testing. Allele origin: germline.
Comment: For these reasons, this variant has been classified as Pathogenic. This variant has not been reported in the literature in individuals affected with C9-related conditions. This variant is present in population databases (rs750617137, gnomAD 0.0009%). This sequence change creates a premature translational stop signal (p.Gln72*) in the C9 gene. It is expected to result in an absent or disrupted protein product. Loss-of-function variants in C9 are known to be pathogenic (PMID: 9144525, 9570574).

Literature cited by the submitters: PubMed 9144525; PubMed 9570574.

NM_001737.5(C9):c.214C>T (p.Gln72Ter)

Gene: C9 (complement C9; minus strand). Cytogenetic location: 5p13.1.
Variant type: single nucleotide variant.
Coding change: c.214C>T on transcript NM_001737.5 (MANE Select); coding-DNA position 214, C replaced by T.
Protein change: p.Gln72Ter; replaces glutamine 72 with a stop codon.
Molecular consequence: nonsense.
Genome position (GRCh38, 1-based): chr5:39,341,670, G>A on the plus strand (C>T on the coding strand, the complement: C9 is on the minus strand). VCF-style: chr5-39341670-G-A. GRCh37 (hg19) VCF-style: chr5-39341772-G-A.
Other names: short protein forms Q72*.
Identifiers: ClinVar variation 1963532 (VCV001963532.5), dbSNP rs750617137, ClinGen allele CA117187653.